The following is an entry in ClinVar:

NM_001290060.2(SEMA3B):c.2172G>C (p.Arg724=)

Gene: SEMA3B (semaphorin 3B; plus strand). Cytogenetic location: 3p21.31.
Variant type: single nucleotide variant.
Coding change: c.2172G>C on transcript NM_001290060.2 (MANE Select); coding-DNA position 2172, G replaced by C.
Protein change: p.Arg724=; no amino-acid change (arginine 724 retained).
Molecular consequence: synonymous variant. On other transcripts: non-coding transcript variant (1).
Genome position (GRCh38, 1-based): chr3:50,276,628, G>C. VCF-style: chr3-50276628-G-C. GRCh37 (hg19) VCF-style: chr3-50314059-G-C.
Other names: c.2169G>C, p.Arg723= (NM_001005914.3, NM_001435957.1, NM_001435958.1); c.2187G>C, p.Arg729= (NM_001290061.1); c.1143G>C, p.Arg381= (NM_001290062.2, NM_001290063.2); c.2172G>C, p.Arg724= (NM_001435956.1, NM_004636.4).
Identifiers: ClinVar variation 4992290 (VCV004992290.1).

ClinVar aggregate classification (germline): Likely benign (1 of 4 stars; one submission).

Conditions:
SEMA3B-related disorder. Also called: SEMA3B-related condition.

gnomAD v4.1: 2 of 1,594,084 alleles (0.00013%); highest among the groups gnomAD compares: South Asian, 0.0011%; no homozygotes.

Submission:

PreventionGenetics, part of Exact Sciences
Classification: Likely benign for SEMA3B-related condition. Last evaluated: 2026-01-26. Review status: criteria provided, single submitter. Criteria: ACMG Guidelines, 2015. Collection method: clinical testing. Allele origin: germline.
Comment: This variant is classified as likely benign based on ACMG/AMP sequence variant interpretation guidelines (Richards et al. 2015 PMID: 25741868, with internal and published modifications).